The following is an entry in ClinVar:

NM_021930.6(RINT1):c.185A>C (p.Lys62Thr)

Gene: RINT1 (RAD50 interactor 1; plus strand). Cytogenetic location: 7q22.3.
Variant type: single nucleotide variant.
Coding change: c.185A>C on transcript NM_021930.6 (MANE Select); coding-DNA position 185, A replaced by C.
Protein change: p.Lys62Thr; replaces lysine 62 with threonine.
Molecular consequence: missense variant. On other transcripts: 5 prime UTR variant (3), non-coding transcript variant (1), intron variant (1).
Genome position (GRCh38, 1-based): chr7:105,536,661, A>C. VCF-style: chr7-105536661-A-C. GRCh37 (hg19) VCF-style: chr7-105177108-A-C.
Other names: c.-358A>C (NM_001346603.2); c.39+49A>C (NM_001346599.2); c.-835A>C (NM_001346600.2); c.-738A>C (NM_001346601.2); short protein forms K62T.
Identifiers: ClinVar variation 4863338 (VCV004863338.1).

ClinVar aggregate classification (germline): Uncertain significance (1 of 4 stars; one submission).

Submission:

Ambry Genetics
Classification: Uncertain significance. Last evaluated: 2026-05-22. Review status: criteria provided, single submitter. Criteria: Ambry Variant Classification Scheme 2023. Collection method: clinical testing. Allele origin: germline.
Comment: The p.K62T variant (also known as c.185A>C), located in coding exon 3 of the RINT1 gene, results from an A to C substitution at nucleotide position 185. The lysine at codon 62 is replaced by threonine, an amino acid with similar properties. This amino acid position is conserved. In addition, this alteration is predicted to be tolerated by in silico analysis. Based on the available evidence, the clinical significance of this variant remains unclear.